The following is an entry in ClinVar:

ClinVar aggregate classification (germline): Likely pathogenic (1 of 4 stars; one submission).

Submission:

Labcorp Genetics (formerly Invitae), Labcorp
Classification: Likely pathogenic. Last evaluated: 2022-09-12. Review status: criteria provided, single submitter. Criteria: Invitae Variant Classification Sherloc (09022015). Collection method: clinical testing. Allele origin: germline.
Comment: This variant has not been reported in the literature in individuals affected with TULP1-related conditions. In summary, the currently available evidence indicates that the variant is pathogenic, but additional data are needed to prove that conclusively. Therefore, this variant has been classified as Likely Pathogenic. Algorithms developed to predict the effect of sequence changes on RNA splicing suggest that this variant may disrupt the consensus splice site. This variant is not present in population databases (gnomAD no frequency). This sequence change affects an acceptor splice site in intron 1 of the TULP1 gene. It is expected to disrupt RNA splicing. Variants that disrupt the donor or acceptor splice site typically lead to a loss of protein function (PMID: 16199547), and loss-of-function variants in TULP1 are known to be pathogenic (PMID: 8606774, 10549638, 15024725, 18055821).

Literature cited by the submitters: PubMed 16199547; PubMed 8606774; PubMed 10549638; PubMed 15024725; PubMed 18055821.

NM_003322.6(TULP1):c.48-1G>C

Gene: TULP1 (TUB like protein 1; minus strand). Cytogenetic location: 6p21.31.
Variant type: single nucleotide variant.
Coding change: c.48-1G>C on transcript NM_003322.6 (MANE Select); the canonical splice acceptor site of the intron before coding-DNA position 48, G replaced by C.
Molecular consequence: splice acceptor variant.
Genome position (GRCh38, 1-based): chr6:35,512,691, C>G on the plus strand (G>C on the coding strand, the complement: TULP1 is on the minus strand). VCF-style: chr6-35512691-C-G. GRCh37 (hg19) VCF-style: chr6-35480468-C-G.
Other names: c.48-1G>C (NM_001289395.2).
Identifiers: ClinVar variation 1523194 (VCV001523194.6), dbSNP rs2150929104, ClinGen allele CA363785370.